The following is an entry in ClinVar:

ClinVar aggregate classification (germline): Uncertain significance (1 of 4 stars; one submission).

Submission:

Labcorp Genetics (formerly Invitae), Labcorp
Classification: Uncertain significance. Last evaluated: 2025-09-10. Review status: criteria provided, single submitter. Criteria: Invitae Variant Classification Sherloc (09022015). Collection method: clinical testing. Allele origin: germline.
Comment: This sequence change replaces lysine, which is basic and polar, with glutamic acid, which is acidic and polar, at codon 132 of the SUCLG2 protein (p.Lys132Glu). This variant is not present in population databases (gnomAD no frequency). This variant has not been reported in the literature in individuals affected with SUCLG2-related conditions. An algorithm developed to predict the effect of missense changes on protein structure and function (PolyPhen-2) suggests that this variant is likely to be tolerated. In summary, the available evidence is currently insufficient to determine the role of this variant in disease. Therefore, it has been classified as a Variant of Uncertain Significance.

NM_003848.4(SUCLG2):c.394A>G (p.Lys132Glu)

Gene: SUCLG2 (succinate-CoA ligase GDP-forming subunit beta; minus strand). Cytogenetic location: 3p14.1.
Variant type: single nucleotide variant.
Coding change: c.394A>G on transcript NM_003848.4 (MANE Select); coding-DNA position 394, A replaced by G.
Protein change: p.Lys132Glu; replaces lysine 132 with glutamic acid.
Molecular consequence: missense variant.
Genome position (GRCh38, 1-based): chr3:67,528,155, T>C on the plus strand (A>G on the coding strand, the complement: SUCLG2 is on the minus strand). VCF-style: chr3-67528155-T-C. GRCh37 (hg19) VCF-style: chr3-67578579-T-C.
Other names: c.394A>G, p.Lys132Glu (NM_001177599.2); short protein forms K132E.
Identifiers: ClinVar variation 4726914 (VCV004726914.1).